The following is an entry in ClinVar:

ClinVar aggregate classification (germline): Likely pathogenic. Review status: criteria provided, multiple submitters, no conflicts (2 of 4 stars). 4 submissions from 3 submitters: Likely pathogenic (4). Last evaluated 2025-09-03.

Conditions:
Phenylketonuria (PKU). Also called: FOLLING DISEASE; Phenylketonuria (PKU); OLIGOPHRENIA PHENYLPYRUVICA; Phenylketonurias. Identifiers: Orphanet 716, MedGen C0031485, MONDO:0009861, OMIM 261600. Disease mechanism: loss of function.
RASopathy. Also called: Noonan spectrum disorder; rasopathies. Identifiers: Orphanet 536391, MedGen C5555857, MONDO:0021060.

gnomAD v4.1: 1 of 1,614,030 alleles (0.000062%); no homozygotes.

Submissions (4):

Natera, Inc.
Classification: Likely pathogenic for Phenylketonuria. Last evaluated: 2025-09-03. Review status: criteria provided, single submitter. Criteria: Natera Variant Classification Schema (03/2026). Collection method: clinical testing. Allele origin: germline.
Comment: The c.516G>C variant in PAH is a missense variant predicted to cause substitution of glutamine to histidine at amino acid 172. This variant is rare in the general population with a frequency below the threshold expected for the associated phenotype(s). Another variant at this same site results in an alteration predicted to cause a similar molecular effect has been observed in individual(s) with the associated phenotype. Computational prediction algorithms indicate this variant is likely to affect gene or protein function. Given the available evidence, this variant is classified as Likely Pathogenic.

Women's Health and Genetics/Laboratory Corporation of America, LabCorp
Classification: Likely pathogenic for Phenylketonuria. Last evaluated: 2024-03-15. Review status: criteria provided, single submitter. Criteria: LabCorp Variant Classification Summary - May 2015. Collection method: clinical testing. Allele origin: germline.
Comment: Variant summary: PAH c.516G>C (p.Gln172His) results in a non-conservative amino acid change located in the Aromatic amino acid hydroxylase, C-terminal domain (IPR019774) of the encoded protein sequence. Five of five in-silico tools predict a damaging effect of the variant on protein function. The variant was absent in 251060 control chromosomes (gnomAD). To our knowledge, no occurrence of c.516G>C in individuals affected with Phenylalanine Hydroxylase Deficiency (Phenylketonuria) and no experimental evidence demonstrating its impact on protein function have been reported. However, another variant resulting in the same amino acid change (c.516G>T) has been determined to be pathogenic. ClinVar contains an entry for this variant (Variation ID: 845708). Based on the evidence outlined above, the variant was classified as likely pathogenic.

Women's Health and Genetics/Laboratory Corporation of America, LabCorp
Classification: Likely pathogenic for RASopathy. Last evaluated: 2024-03-15. Review status: criteria provided, single submitter. Criteria: LabCorp Variant Classification Summary - May 2015. Collection method: clinical testing. Allele origin: germline.

Labcorp Genetics (formerly Invitae), Labcorp
Classification: Likely pathogenic for Phenylketonuria. Last evaluated: 2019-05-10. Review status: criteria provided, single submitter. Criteria: Invitae Variant Classification Sherloc (09022015). Collection method: clinical testing. Allele origin: germline.
Comment: Algorithms developed to predict the effect of missense changes on protein structure and function are either unavailable or do not agree on the potential impact of this missense change (SIFT: "Deleterious"; PolyPhen-2: "Possibly Damaging"; Align-GVGD: "Class C0"). This sequence change replaces glutamine with histidine at codon 172 of the PAH protein (p.Gln172His). The glutamine residue is highly conserved and there is a small physicochemical difference between glutamine and histidine. This variant is not present in population databases (ExAC no frequency). This variant has not been reported in the literature in individuals with PAH-related conditions. A different variant (c.516G>T) giving rise to the same protein effect observed here (p.Gln172His) has been determined to be pathogenic (PMID: 26322415, 26600521, 28982351). This suggests that this variant is also likely to be causative of disease. In summary, the currently available evidence indicates that the variant is pathogenic, but additional data are needed to prove that conclusively. Therefore, this variant has been classified as Likely Pathogenic.

Literature cited by the submitters: PubMed 26322415 (cited by Labcorp Genetics (formerly Invitae), Labcorp); PubMed 26600521 (cited by Labcorp Genetics (formerly Invitae), Labcorp); PubMed 28982351 (cited by Labcorp Genetics (formerly Invitae), Labcorp).

NM_000277.3(PAH):c.516G>C (p.Gln172His)

Gene: PAH (phenylalanine hydroxylase; minus strand). Cytogenetic location: 12q23.2.
Variant type: single nucleotide variant.
Coding change: c.516G>C on transcript NM_000277.3 (MANE Select); coding-DNA position 516, G replaced by C.
Protein change: p.Gln172His; replaces glutamine 172 with histidine.
Molecular consequence: missense variant.
Genome position (GRCh38, 1-based): chr12:102,855,326, C>G on the plus strand (G>C on the coding strand, the complement: PAH is on the minus strand). VCF-style: chr12-102855326-C-G. GRCh37 (hg19) VCF-style: chr12-103249104-C-G.
Other names: c.516G>C, p.Gln172His (NM_001354304.2); c.516G>C (NM_000277.2); short protein forms Q172H.
Identifiers: ClinVar variation 845708 (VCV000845708.13), dbSNP rs192592111, ClinGen allele CA386297046.
Genomic context (GRCh38, chr12:102,855,326, plus strand): 5'-CTTGAACACTGTGCCCCATGTTTTCTTTTCTTCCTCCATGTATTCCACTCGAGGGATGGG[C>G]TGCCCACTAGAATACAGGCACAAAATAGGTGTCTCAAGCAGGGCAGGGGCACAGCAGAAC-3'
Protein context (NP_000268.1, residues 162-182): ADIAYNYRHG[Gln172His]PIPRVEYMEE